The following is an entry in ClinVar:

ClinVar aggregate classification (germline): Uncertain significance (1 of 4 stars; one submission).

Submission:

GeneDx
Classification: Uncertain significance. Last evaluated: 2022-09-02. Review status: criteria provided, single submitter. Criteria: GeneDx Variant Classification Process June 2021. Collection method: clinical testing. Allele origin: germline. Affected: yes.
Comment: Not observed at significant frequency in large population cohorts (gnomAD); In silico analysis supports that this missense variant does not alter protein structure/function; Has not been previously published as pathogenic or benign to our knowledge

NM_001354604.2(MITF):c.1330T>G (p.Cys444Gly)

Gene: MITF (melanocyte inducing transcription factor; plus strand). Cytogenetic location: 3p13.
Variant type: single nucleotide variant.
Coding change: c.1330T>G on transcript NM_001354604.2 (MANE Select); coding-DNA position 1330, T replaced by G.
Protein change: p.Cys444Gly; replaces cysteine 444 with glycine.
Molecular consequence: missense variant.
Genome position (GRCh38, 1-based): chr3:69,964,997, T>G. VCF-style: chr3-69964997-T-G. GRCh37 (hg19) VCF-style: chr3-70014148-T-G.
Other names: c.1009T>G, p.Cys337Gly (NM_000248.4); c.1156T>G, p.Cys386Gly (NM_001184967.2, NM_001354608.2); c.1327T>G, p.Cys443Gly (NM_001354605.2); c.1309T>G, p.Cys437Gly (NM_001354606.2, NM_006722.3); c.1261T>G, p.Cys421Gly (NM_001354607.2); c.991T>G, p.Cys331Gly (NM_198158.3); c.1312T>G, p.Cys438Gly (NM_198159.3); c.1264T>G, p.Cys422Gly (NM_198177.3); and 1 more; short protein forms C275G, C331G, C337G, C386G, C421G, C422G, C437G, C438G.
Identifiers: ClinVar variation 2442476 (VCV002442476.1), dbSNP rs777788246, ClinGen allele CA353559623.